The following is an entry in ClinVar:

NM_000057.4(BLM):c.403G>C (p.Ala135Pro)

Gene: BLM (BLM RecQ like helicase; plus strand). Cytogenetic location: 15q26.1.
Variant type: single nucleotide variant.
Coding change: c.403G>C on transcript NM_000057.4 (MANE Select); coding-DNA position 403, G replaced by C.
Protein change: p.Ala135Pro; replaces alanine 135 with proline.
Molecular consequence: missense variant. On other transcripts: 5 prime UTR variant (1).
Genome position (GRCh38, 1-based): chr15:90,749,671, G>C. VCF-style: chr15-90749671-G-C. GRCh37 (hg19) VCF-style: chr15-91292901-G-C.
Other names: c.403G>C, p.Ala135Pro (NM_001287246.2, NM_001287247.2); c.-889G>C (NM_001287248.2); short protein forms A135P.
Identifiers: ClinVar variation 824533 (VCV000824533.11), dbSNP rs373832397, ClinGen allele CA393840470.
Genomic context (GRCh38, chr15:90,749,671, plus strand): 5'-CCGAAGGAAGTTGTATGCACTACCCAAAACACACCAACTGTAAAGAAATCCCGGGATACT[G>C]CTCTCAAGAAATTAGAATTTAGTTCTTCACCAGATTCTTTAAGTACCATCAATGATTGGG-3'
Protein context (NP_000048.1, residues 125-145): TPTVKKSRDT[Ala135Pro]LKKLEFSSSP

ClinVar aggregate classification (germline): Uncertain significance. Review status: criteria provided, multiple submitters, no conflicts (2 of 4 stars). 2 submissions from 2 submitters: Uncertain significance (2). Last evaluated 2026-01-18.

Conditions:
Bloom syndrome (BLM). Also called: Bloom-Torre-Machacek syndrome. Identifiers: Orphanet 125, MedGen C0005859, MONDO:0008876, OMIM 210900.
Hereditary cancer-predisposing syndrome. Also called: Neoplastic Syndromes, Hereditary; Tumor predisposition; Hereditary neoplastic syndrome; Hereditary Cancer Syndrome. Identifiers: Orphanet 140162, MedGen C0027672, MeSH D009386, MONDO:0015356.

gnomAD v4.1: 1 of 1,614,150 alleles (0.000062%); highest among the groups gnomAD compares: African/African-American, 0.0013%; no homozygotes.

Submissions (2):

Labcorp Genetics (formerly Invitae), Labcorp
Classification: Uncertain significance for Bloom syndrome. Last evaluated: 2026-01-18. Review status: criteria provided, single submitter. Criteria: Invitae Variant Classification Sherloc (09022015). Collection method: clinical testing. Allele origin: germline.
Comment: This sequence change replaces alanine, which is neutral and non-polar, with proline, which is neutral and non-polar, at codon 135 of the BLM protein (p.Ala135Pro). This variant is not present in population databases (gnomAD no frequency). This variant has not been reported in the literature in individuals affected with BLM-related conditions. ClinVar contains an entry for this variant (Variation ID: 824533). An algorithm developed to predict the effect of missense changes on protein structure and function (PolyPhen-2) suggests that this variant is likely to be tolerated. In summary, the available evidence is currently insufficient to determine the role of this variant in disease. Therefore, it has been classified as a Variant of Uncertain Significance.

Ambry Genetics
Classification: Uncertain significance for Hereditary cancer-predisposing syndrome. Last evaluated: 2019-07-02. Review status: criteria provided, single submitter. Criteria: Ambry Variant Classification Scheme 2023. Collection method: clinical testing. Allele origin: germline.
Comment: The p.A135P variant (also known as c.403G>C), located in coding exon 2 of the BLM gene, results from a G to C substitution at nucleotide position 403. The alanine at codon 135 is replaced by proline, an amino acid with highly similar properties. This amino acid position is poorly conserved in available vertebrate species. In addition, this alteration is predicted to be tolerated by in silico analysis. Since supporting evidence is limited at this time, the clinical significance of this alteration remains unclear.